The following is an entry in ClinVar:

ClinVar aggregate classification (germline): Uncertain significance (1 of 4 stars; one submission).

Submission:

Labcorp Genetics (formerly Invitae), Labcorp
Classification: Uncertain significance. Last evaluated: 2023-08-30. Review status: criteria provided, single submitter. Criteria: Invitae Variant Classification Sherloc (09022015). Collection method: clinical testing. Allele origin: germline.
Comment: ClinVar contains an entry for this variant (Variation ID: 1720795). In summary, the available evidence is currently insufficient to determine the role of this variant in disease. Therefore, it has been classified as a Variant of Uncertain Significance. An algorithm developed to predict the effect of missense changes on protein structure and function (PolyPhen-2) suggests that this variant is likely to be tolerated. This variant has not been reported in the literature in individuals affected with TCF20-related conditions. This variant is not present in population databases (gnomAD no frequency). This sequence change replaces alanine, which is neutral and non-polar, with glycine, which is neutral and non-polar, at codon 93 of the TCF20 protein (p.Ala93Gly).

NM_001378418.1(TCF20):c.278C>G (p.Ala93Gly)

Gene: TCF20 (transcription factor 20; minus strand). Cytogenetic location: 22q13.2.
Variant type: single nucleotide variant.
Coding change: c.278C>G on transcript NM_001378418.1 (MANE Select); coding-DNA position 278, C replaced by G.
Protein change: p.Ala93Gly; replaces alanine 93 with glycine.
Molecular consequence: missense variant.
Genome position (GRCh38, 1-based): chr22:42,215,028, G>C on the plus strand (C>G on the coding strand, the complement: TCF20 is on the minus strand). VCF-style: chr22-42215028-G-C. GRCh37 (hg19) VCF-style: chr22-42611034-G-C.
Other names: c.278C>G, p.Ala93Gly (NM_005650.4, NM_181492.3); short protein forms A93G.
Identifiers: ClinVar variation 1720795 (VCV001720795.5), dbSNP rs1921571494, ClinGen allele CA411793346.
Genomic context (GRCh38, chr22:42,215,028, plus strand): 5'-CCAGAAGGCCTTCGCTGAGGAGGCTGTGGGGTTCCTGTAGTCACGGGGTCTTTGTTGCCT[G>C]CCATGTAGTAAAAATCTCCAGCCTCTTTCCTGAAACCCTGGTAACCTTGATGGCCAGAGG-3'
Protein context (NP_001365347.1, residues 83-103): RKEAGDFYYM[Ala93Gly]GNKDPVTTGT